The following is an entry in ClinVar:

ClinVar aggregate classification (germline): Likely benign (1 of 4 stars; one submission).

Conditions:
FOXF2-related disorder. Also called: FOXF2-related condition.

Submission:

PreventionGenetics, part of Exact Sciences
Classification: Likely benign for FOXF2-related condition. Last evaluated: 2024-12-21. Review status: criteria provided, single submitter. Criteria: ACMG Guidelines, 2015. Collection method: clinical testing. Allele origin: germline.
Comment: This variant is classified as likely benign based on ACMG/AMP sequence variant interpretation guidelines (Richards et al. 2015 PMID: 25741868, with internal and published modifications).

NM_001452.2(FOXF2):c.663G>C (p.Leu221=)

Genes: FOXF2 (forkhead box F2; plus strand), FOXF2-DT (FOXF2 divergent transcript; minus strand). Cytogenetic location: 6p25.3.
Variant type: single nucleotide variant.
Coding change: c.663G>C on transcript NM_001452.2 (MANE Select); coding-DNA position 663, G replaced by C.
Protein change: p.Leu221=; no amino-acid change (leucine 221 retained).
Molecular consequence: synonymous variant.
Genome position (GRCh38, 1-based): chr6:1,390,610, G>C. VCF-style: chr6-1390610-G-C. GRCh37 (hg19) VCF-style: chr6-1390845-G-C.
Identifiers: ClinVar variation 5001761 (VCV005001761.1).